The following is an entry in ClinVar:

ClinVar aggregate classification (germline): Uncertain significance (1 of 4 stars; one submission).

Allele frequency attached by ClinVar (database versions not stated): gnomAD exomes below 0.00001.

Submission:

Labcorp Genetics (formerly Invitae), Labcorp
Classification: Uncertain significance. Last evaluated: 2022-03-22. Review status: criteria provided, single submitter. Criteria: Invitae Variant Classification Sherloc (09022015). Collection method: clinical testing. Allele origin: germline.
Comment: This variant has not been reported in the literature in individuals affected with ATR-related conditions. Algorithms developed to predict the effect of missense changes on protein structure and function (SIFT, PolyPhen-2, Align-GVGD) all suggest that this variant is likely to be tolerated. In summary, the available evidence is currently insufficient to determine the role of this variant in disease. Therefore, it has been classified as a Variant of Uncertain Significance. This variant is not present in population databases (gnomAD no frequency). This sequence change replaces methionine, which is neutral and non-polar, with isoleucine, which is neutral and non-polar, at codon 11 of the ATR protein (p.Met11Ile).

NM_001184.4(ATR):c.33G>A (p.Met11Ile)

Genes: ATR (ATR checkpoint kinase; minus strand), LOC129937703 (ATAC-STARR-seq lymphoblastoid active region 20643; plus strand). Cytogenetic location: 3q23.
Variant type: single nucleotide variant.
Coding change: c.33G>A on transcript NM_001184.4 (MANE Select); coding-DNA position 33, G replaced by A.
Protein change: p.Met11Ile; replaces methionine 11 with isoleucine.
Molecular consequence: missense variant.
Genome position (GRCh38, 1-based): chr3:142,578,672, C>T on the plus strand (G>A on the coding strand, the complement: ATR is on the minus strand). VCF-style: chr3-142578672-C-T. GRCh37 (hg19) VCF-style: chr3-142297514-C-T.
Other names: c.33G>A, p.Met11Ile (NM_001354579.2); short protein forms M11I.
Identifiers: ClinVar variation 1401674 (VCV001401674.8), dbSNP rs2108512693, ClinGen allele CA354795769.